The following is an entry in ClinVar:

ClinVar aggregate classification (germline): Likely pathogenic (1 of 4 stars; one submission).

Allele frequency attached by ClinVar (database versions not stated): gnomAD exomes below 0.00001.
gnomAD v4.1: 1 of 1,613,806 alleles (0.000062%); highest among the groups gnomAD compares: Non-Finnish European, 0.000085%; no homozygotes.

Submission:

Labcorp Genetics (formerly Invitae), Labcorp
Classification: Likely pathogenic. Last evaluated: 2022-01-05. Review status: criteria provided, single submitter. Criteria: Invitae Variant Classification Sherloc (09022015). Collection method: clinical testing. Allele origin: germline.
Comment: This sequence change affects an acceptor splice site in intron 9 of the ATP6V1B1 gene. It is expected to disrupt RNA splicing. Variants that disrupt the donor or acceptor splice site typically lead to a loss of protein function (PMID: 16199547), and loss-of-function variants in ATP6V1B1 are known to be pathogenic (PMID: 9916796, 18368028). In summary, the currently available evidence indicates that the variant is pathogenic, but additional data are needed to prove that conclusively. Therefore, this variant has been classified as Likely Pathogenic. Algorithms developed to predict the effect of sequence changes on RNA splicing suggest that this variant may disrupt the consensus splice site. Disruption of this splice site has been observed in individual(s) with ATP6V1B1-related conditions (PMID: 9916796). This variant is not present in population databases (gnomAD no frequency).

Literature cited by the submitters: PubMed 16199547; PubMed 9916796; PubMed 18368028.

NM_001692.4(ATP6V1B1):c.910-2A>T

Gene: ATP6V1B1 (ATPase H+ transporting V1 subunit B1; plus strand). Cytogenetic location: 2p13.3.
Variant type: single nucleotide variant.
Coding change: c.910-2A>T on transcript NM_001692.4 (MANE Select); the canonical splice acceptor site of the intron before coding-DNA position 910, A replaced by T.
Molecular consequence: splice acceptor variant.
Genome position (GRCh38, 1-based): chr2:70,963,160, A>T. VCF-style: chr2-70963160-A-T. GRCh37 (hg19) VCF-style: chr2-71190290-A-T.
Identifiers: ClinVar variation 1508507 (VCV001508507.8), dbSNP rs2104831681, ClinGen allele CA347185361.